The following is an entry in ClinVar:

NM_001288705.3(CSF1R):c.141C>A (p.Ser47Arg)

Gene: CSF1R (colony stimulating factor 1 receptor; minus strand). Cytogenetic location: 5q32.
Variant type: single nucleotide variant.
Coding change: c.141C>A on transcript NM_001288705.3 (MANE Select); coding-DNA position 141, C replaced by A.
Protein change: p.Ser47Arg; replaces serine 47 with arginine.
Molecular consequence: missense variant. On other transcripts: 5 prime UTR variant (1), non-coding transcript variant (2).
Genome position (GRCh38, 1-based): chr5:150,080,933, G>T on the plus strand (C>A on the coding strand, the complement: CSF1R is on the minus strand). VCF-style: chr5-150080933-G-T. GRCh37 (hg19) VCF-style: chr5-149460496-G-T.
Other names: c.141C>A, p.Ser47Arg (NM_001349736.2, NM_001375320.1, NM_005211.4); c.-304C>A (NM_001375321.1); short protein forms S47R.
Identifiers: ClinVar variation 1931198 (VCV001931198.6), dbSNP rs771756926, ClinGen allele CA361737174.
Genomic context (GRCh38, chr5:150,080,933, plus strand): 5'-GCTGCTGGAGCCATCAGAGTACAGGGTCCAGTGAGGTGATGGGGGGCCATCCCATTCCAC[G>T]CTGCCATTGCCCACACATCGCAAGGTCACCGTTGCTCCTGGCTTCACGACCAGCTCAGGG-3'
Protein context (NP_001275634.1, residues 37-57): TVTLRCVGNG[Ser47Arg]VEWDGPPSPH

ClinVar aggregate classification (germline): Uncertain significance. Review status: criteria provided, multiple submitters, no conflicts (2 of 4 stars). 2 submissions from 2 submitters: Uncertain significance (2). Last evaluated 2025-01-22.

Conditions:
Leukoencephalopathy, diffuse hereditary, with spheroids 1 (HDLS1). Also called: DEMENTIA, FAMILIAL, NEUMANN TYPE; SUBCORTICAL GLIOSIS OF NEUMANN; CSF1R-related adult-onset leukoencephalopathy with axonal spheroids and pigmented glia. Identifiers: Orphanet 313808, MedGen C5561929, MONDO:0800027, OMIM 221820.

Submissions (2):

3billion
Classification: Uncertain significance for Leukoencephalopathy, diffuse hereditary, with spheroids 1. Last evaluated: 2025-01-22. Review status: criteria provided, single submitter. Criteria: ACMG Guidelines, 2015. Collection method: clinical testing. Allele origin: germline. Affected: yes.
Comment: The variant is observed at an extremely low frequency in the gnomAD v4.1.0 dataset (total allele frequency: <0.001%). Predicted Consequence/Location: Missense variant In silico tool predictions suggest no damaging effect of the variant on gene or gene product [REVEL: 0.20 (<0.4); 3Cnet: 0.04 (<0.15, specificity 0.78 and negative predictive value 0.92)]. The variant has been reported as of uncertain significance (ClinVar ID: VCV001931198). Therefore, this variant is classified as VUS according to the recommendation of ACMG/AMP guideline.

Labcorp Genetics (formerly Invitae), Labcorp
Classification: Uncertain significance. Last evaluated: 2022-10-19. Review status: criteria provided, single submitter. Criteria: Invitae Variant Classification Sherloc (09022015). Collection method: clinical testing. Allele origin: germline.
Comment: This sequence change replaces serine, which is neutral and polar, with arginine, which is basic and polar, at codon 47 of the CSF1R protein (p.Ser47Arg). This variant is not present in population databases (gnomAD no frequency). This variant has not been reported in the literature in individuals affected with CSF1R-related conditions. Advanced modeling of protein sequence and biophysical properties (such as structural, functional, and spatial information, amino acid conservation, physicochemical variation, residue mobility, and thermodynamic stability) performed at Invitae indicates that this missense variant is not expected to disrupt CSF1R protein function. In summary, the available evidence is currently insufficient to determine the role of this variant in disease. Therefore, it has been classified as a Variant of Uncertain Significance.